The following is an entry in ClinVar:

ClinVar aggregate classification (germline): Pathogenic (1 of 4 stars; one submission).

Conditions:
Fabry disease. Also called: ALPHA-GALACTOSIDASE A DEFICIENCY; ANDERSON-FABRY DISEASE; CERAMIDE TRIHEXOSIDASE DEFICIENCY; GLA DEFICIENCY; HEREDITARY DYSTOPIC LIPIDOSIS; Angiokeratoma corporis diffusum. Identifiers: Orphanet 324, MedGen C0002986, MONDO:0010526, OMIM 301500, HP:0001071. Disease mechanism: Fabry disease is due to inactivating mutations in the X-linked GLA gene resulting in deficiency of the enzyme Alpha Galactosidase-A., loss of function.

Submission:

Genomenon, Inc
Classification: Pathogenic for Fabry disease. Last evaluated: 2026-09-08. Review status: criteria provided, single submitter. Criteria: Genomenon Sequence Variant Interpretation Standards - Updated. Collection method: curation. Allele origin: germline. Affected: yes.
Comment: GLA p.Asp155His (c.463G>C) is a missense variant that changes the amino acid at codon 155 from Aspartic acid to Histidine. This variant has been observed in at least one proband with clinical features consistent with Fabry disease (PMID:33906135;28377888;33022387;16630168;17619837;16970764;18651238;35743707;29631605;23600802;27733175;36165155;40760696;35338595). The variant was found to segregate with disease in at least one affected family (PMID:35338595;16630168;17619837;16970764;35743707). At least one functional study has demonstrated a substantial alteration in protein function relative to the wild-type (PMID:27657681). It is absent or not present at a significant frequency in gnomAD. In silico models predict that this variant is possibly or probably damaging. In conclusion, we classify GLA p.Asp155His (c.463G>C) as a pathogenic variant.

Literature cited by the submitters: PubMed 33906135; PubMed 28377888; PubMed 33022387; PubMed 16630168; PubMed 17619837; PubMed 16970764; PubMed 18651238; PubMed 35743707; PubMed 29631605; PubMed 23600802; PubMed 27733175; PubMed 36165155; PubMed 40760696; PubMed 35338595; PubMed 27657681.

NM_000169.3(GLA):c.463G>C (p.Asp155His)

Genes: GLA (galactosidase alpha; minus strand), RPL36A-HNRNPH2 (RPL36A-HNRNPH2 readthrough; plus strand). Cytogenetic location: Xq22.1.
Variant type: single nucleotide variant.
Coding change: c.463G>C on transcript NM_000169.3 (MANE Select); coding-DNA position 463, G replaced by C.
Protein change: p.Asp155His; replaces aspartic acid 155 with histidine.
Molecular consequence: missense variant. On other transcripts: non-coding transcript variant (3), intron variant (2).
Genome position (GRCh38, 1-based): chrX:101,401,716, C>G on the plus strand (G>C on the coding strand, the complement: GLA is on the minus strand). VCF-style: chrX-101401716-C-G. GRCh37 (hg19) VCF-style: chrX-100656704-C-G.
Other names: c.586G>C, p.Asp196His (NM_001406747.1, NM_001406749.1); c.463G>C, p.Asp155His (NM_001406748.1); c.300+6259C>G (NM_001199973.2); c.177+9894C>G (NM_001199974.2); short protein forms D155H, D196H.
Identifiers: ClinVar variation 4087378 (VCV004087378.2), dbSNP rs113419388.